The following is an entry in ClinVar:

NM_002471.4(MYH6):c.647C>A (p.Thr216Asn)

Gene: MYH6 (myosin heavy chain 6; minus strand). Cytogenetic location: 14q11.2.
Variant type: single nucleotide variant.
Coding change: c.647C>A on transcript NM_002471.4 (MANE Select); coding-DNA position 647, C replaced by A.
Protein change: p.Thr216Asn; replaces threonine 216 with asparagine.
Molecular consequence: missense variant.
Genome position (GRCh38, 1-based): chr14:23,404,384, G>T on the plus strand (C>A on the coding strand, the complement: MYH6 is on the minus strand). VCF-style: chr14-23404384-G-T. GRCh37 (hg19) VCF-style: chr14-23873593-G-T.
Other names: c.647C>A (NM_002471.3); short protein forms T216N.
Identifiers: ClinVar variation 1423914 (VCV001423914.7), dbSNP rs1448960877, ClinGen allele CA389029211.

ClinVar aggregate classification (germline): Uncertain significance. Review status: criteria provided, multiple submitters, no conflicts (2 of 4 stars). 2 submissions from 2 submitters: Uncertain significance (2). Last evaluated 2024-04-30.

Conditions:
Cardiovascular phenotype. Identifiers: MedGen CN230736.
Hypertrophic cardiomyopathy 14. Identifiers: MedGen C2750467, MONDO:0013197, OMIM 613251.

Allele frequency attached by ClinVar (database versions not stated): gnomAD exomes below 0.00001; TOPMed 0.00001.
gnomAD v4.1: 2 of 1,614,080 alleles (0.00012%); highest among the groups gnomAD compares: East Asian, 0.0022%; no homozygotes.

Submissions (2):

Labcorp Genetics (formerly Invitae), Labcorp
Classification: Uncertain significance for Hypertrophic cardiomyopathy 14. Last evaluated: 2024-04-30. Review status: criteria provided, single submitter. Criteria: Invitae Variant Classification Sherloc (09022015). Collection method: clinical testing. Allele origin: germline.
Comment: This sequence change replaces threonine, which is neutral and polar, with asparagine, which is neutral and polar, at codon 216 of the MYH6 protein (p.Thr216Asn). This variant is present in population databases (no rsID available, gnomAD 0.006%). This variant has not been reported in the literature in individuals affected with MYH6-related conditions. ClinVar contains an entry for this variant (Variation ID: 1423914). Advanced modeling of protein sequence and biophysical properties (such as structural, functional, and spatial information, amino acid conservation, physicochemical variation, residue mobility, and thermodynamic stability) performed at Invitae indicates that this missense variant is expected to disrupt MYH6 protein function with a positive predictive value of 80%. In summary, the available evidence is currently insufficient to determine the role of this variant in disease. Therefore, it has been classified as a Variant of Uncertain Significance.

Ambry Genetics
Classification: Uncertain significance for Cardiovascular phenotype. Last evaluated: 2023-03-03. Review status: criteria provided, single submitter. Criteria: Ambry Variant Classification Scheme 2023. Collection method: clinical testing. Allele origin: germline.
Comment: The p.T216N variant (also known as c.647C>A), located in coding exon 6 of the MYH6 gene, results from a C to A substitution at nucleotide position 647. The threonine at codon 216 is replaced by asparagine, an amino acid with similar properties. This amino acid position is conserved. In addition, the in silico prediction for this alteration is inconclusive. Since supporting evidence is limited at this time, the clinical significance of this alteration remains unclear.